The following is an entry in ClinVar:

ClinVar aggregate classification (germline): Uncertain significance (1 of 4 stars; one submission).

Conditions:
Hypertrophic cardiomyopathy 26. Also called: Cardiomyopathy, familial hypertrophic, 26. Identifiers: Orphanet 75249, MedGen C4310749, MONDO:0014883, OMIM 617047.
Myofibrillar myopathy 5. Also called: Filaminopathy (type); FILAMINOPATHY, AUTOSOMAL DOMINANT. Identifiers: Orphanet 171445, MedGen C1836050, MONDO:0012289, OMIM 609524.
Distal myopathy with posterior leg and anterior hand involvement. Also called: WILLIAMS DISTAL MYOPATHY. Identifiers: Orphanet 63273, MedGen C3279722, MONDO:0013550, OMIM 614065.

Submission:

Labcorp Genetics (formerly Invitae), Labcorp
Classification: Uncertain significance for Distal myopathy with posterior leg and anterior hand involvement; Myofibrillar myopathy 5; Hypertrophic cardiomyopathy 26. Last evaluated: 2025-12-08. Review status: criteria provided, single submitter. Criteria: Invitae Variant Classification Sherloc (09022015). Collection method: clinical testing. Allele origin: germline.
Comment: This sequence change replaces phenylalanine, which is neutral and non-polar, with serine, which is neutral and polar, at codon 2361 of the FLNC protein (p.Phe2361Ser). This variant is not present in population databases (gnomAD no frequency). This variant has not been reported in the literature in individuals affected with FLNC-related conditions. ClinVar contains an entry for this variant (Variation ID: 2944464). Invitae Evidence Modeling of protein sequence and biophysical properties (such as structural, functional, and spatial information, amino acid conservation, physicochemical variation, residue mobility, and thermodynamic stability) indicates that this missense variant is not expected to disrupt FLNC protein function with a negative predictive value of 80%. In summary, the available evidence is currently insufficient to determine the role of this variant in disease. Therefore, it has been classified as a Variant of Uncertain Significance.

NM_001458.5(FLNC):c.7082T>C (p.Phe2361Ser)

Genes: FLNC (filamin C; plus strand), FLNC-AS1 (FLNC antisense RNA 1; minus strand). Cytogenetic location: 7q32.1.
Variant type: single nucleotide variant.
Coding change: c.7082T>C on transcript NM_001458.5 (MANE Select); coding-DNA position 7082, T replaced by C.
Protein change: p.Phe2361Ser; replaces phenylalanine 2361 with serine.
Molecular consequence: missense variant.
Genome position (GRCh38, 1-based): chr7:128,854,859, T>C. VCF-style: chr7-128854859-T-C. GRCh37 (hg19) VCF-style: chr7-128494913-T-C.
Other names: c.6983T>C, p.Phe2328Ser (NM_001127487.2); short protein forms F2361S, F2328S.
Identifiers: ClinVar variation 2944464 (VCV002944464.3), dbSNP rs2536666048, ClinGen allele CA369215207.